The following is an entry in ClinVar:

ClinVar aggregate classification (germline): Conflicting classifications of pathogenicity. Review status: criteria provided, conflicting classifications (1 of 4 stars). 3 submissions from 3 submitters: Uncertain significance (2); Likely benign (1). Last evaluated 2024-08-01.

Conditions:
Inborn genetic diseases. Identifiers: MedGen C0950123, MeSH D030342.

Allele frequency attached by ClinVar (database versions not stated): TOPMed 0.00001; gnomAD 0.00010; gnomAD exomes 0.00017; ExAC 0.00038; 1000 Genomes Project 30x 0.00094; 1000 Genomes Project 0.00100.
gnomAD v4.1: 268 of 1,613,798 alleles (0.017%); highest among the groups gnomAD compares: South Asian, 0.28%; 2 homozygotes.

Submissions (3):

Ambry Genetics
Classification: Uncertain significance for Inborn genetic diseases. Last evaluated: 2024-08-01. Review status: criteria provided, single submitter. Criteria: Ambry Variant Classification Scheme 2023. Collection method: clinical testing. Allele origin: germline.

Labcorp Genetics (formerly Invitae), Labcorp
Classification: Likely benign. Last evaluated: 2024-01-24. Review status: criteria provided, single submitter. Criteria: Invitae Variant Classification Sherloc (09022015). Collection method: clinical testing. Allele origin: germline.

GeneDx
Classification: Uncertain significance. Last evaluated: 2022-05-22. Review status: criteria provided, single submitter. Criteria: GeneDx Variant Classification Process June 2021. Collection method: clinical testing. Allele origin: germline. Affected: yes.
Comment: In silico analysis supports that this missense variant has a deleterious effect on protein structure/function; Has not been previously published as pathogenic or benign to our knowledge

NM_004618.5(TOP3A):c.1103A>G (p.Asn368Ser)

Gene: TOP3A (DNA topoisomerase III alpha; minus strand). Cytogenetic location: 17p11.2.
Variant type: single nucleotide variant.
Coding change: c.1103A>G on transcript NM_004618.5 (MANE Select); coding-DNA position 1103, A replaced by G.
Protein change: p.Asn368Ser; replaces asparagine 368 with serine.
Molecular consequence: missense variant.
Genome position (GRCh38, 1-based): chr17:18,292,823, T>C on the plus strand (A>G on the coding strand, the complement: TOP3A is on the minus strand). VCF-style: chr17-18292823-T-C. GRCh37 (hg19) VCF-style: chr17-18196137-T-C.
Other names: c.1103A>G (NM_004618.3); c.818A>G, p.Asn273Ser (NM_001320759.2); short protein forms N273S, N368S.
Identifiers: ClinVar variation 1800823 (VCV001800823.7), dbSNP rs543070592, ClinGen allele CA8430001.
Genomic context (GRCh38, chr17:18,292,823, plus strand): 5'-CGTGGATCGGGGGTCTGCTGTTCCACCAACACCGTCAGGTTTAAGTCTCTGGGAAAAATG[T>C]TTGTTTCTGTTCGGGGATAGCTGATGTACCTAAAACCAAGGCAAACAAACAGAAAAAGAA-3'
Protein context (NP_004609.1, residues 358-378): GYISYPRTET[Asn368Ser]IFPRDLNLTV